The following is an entry in ClinVar:

NM_024741.3(ZNF408):c.1132C>T (p.His378Tyr)

Gene: ZNF408 (zinc finger protein 408; plus strand). Cytogenetic location: 11p11.2.
Variant type: single nucleotide variant.
Coding change: c.1132C>T on transcript NM_024741.3 (MANE Select); coding-DNA position 1132, C replaced by T.
Protein change: p.His378Tyr; replaces histidine 378 with tyrosine.
Molecular consequence: missense variant.
Genome position (GRCh38, 1-based): chr11:46,704,832, C>T. VCF-style: chr11-46704832-C-T. GRCh37 (hg19) VCF-style: chr11-46726382-C-T.
Other names: c.1108C>T, p.His370Tyr (NM_001184751.2); short protein forms H378Y, H370Y.
Identifiers: ClinVar variation 963530 (VCV000963530.10), dbSNP rs1010213682, ClinGen allele CA221633275.

ClinVar aggregate classification (germline): Uncertain significance. Review status: criteria provided, multiple submitters, no conflicts (2 of 4 stars). 2 submissions from 2 submitters: Uncertain significance (2). Last evaluated 2023-05-08.

Allele frequency attached by ClinVar (database versions not stated): TOPMed 0.00001; gnomAD 0.00002; gnomAD exomes 0.00002.
gnomAD v4.1: 24 of 1,600,924 alleles (0.0015%); highest among the groups gnomAD compares: African/African-American, 0.0027%; no homozygotes.

Submissions (2):

Labcorp Genetics (formerly Invitae), Labcorp
Classification: Uncertain significance. Last evaluated: 2023-05-08. Review status: criteria provided, single submitter. Criteria: Invitae Variant Classification Sherloc (09022015). Collection method: clinical testing. Allele origin: germline.
Comment: In summary, the available evidence is currently insufficient to determine the role of this variant in disease. Therefore, it has been classified as a Variant of Uncertain Significance. An algorithm developed to predict the effect of missense changes on protein structure and function (PolyPhen-2) suggests that this variant is likely to be tolerated. ClinVar contains an entry for this variant (Variation ID: 963530). This variant has not been reported in the literature in individuals affected with ZNF408-related conditions. This variant is present in population databases (no rsID available, gnomAD 0.007%). This sequence change replaces histidine, which is basic and polar, with tyrosine, which is neutral and polar, at codon 378 of the ZNF408 protein (p.His378Tyr).

Blueprint Genetics
Classification: Uncertain significance. Last evaluated: 2019-11-18. Review status: criteria provided, single submitter. Criteria: ACMG Guidelines, 2015. Collection method: clinical testing. Allele origin: germline.